The following is an entry in ClinVar:

ClinVar aggregate classification (germline): Uncertain significance. Review status: criteria provided, multiple submitters, no conflicts (2 of 4 stars). 2 submissions from 2 submitters: Uncertain significance (2). Last evaluated 2024-05-08.

Allele frequency attached by ClinVar (database versions not stated): ExAC 0.00001; TOPMed 0.00002.
gnomAD v4.1: 20 of 1,601,572 alleles (0.0012%); highest among the groups gnomAD compares: Admixed American, 0.0017%; no homozygotes.

Submissions (2):

Blueprint Genetics
Classification: Uncertain significance. Last evaluated: 2024-05-08. Review status: criteria provided, single submitter. Criteria: ACMG Guidelines, 2015. Collection method: clinical testing. Allele origin: germline.

Labcorp Genetics (formerly Invitae), Labcorp
Classification: Uncertain significance. Last evaluated: 2022-05-03. Review status: criteria provided, single submitter. Criteria: Invitae Variant Classification Sherloc (09022015). Collection method: clinical testing. Allele origin: germline.
Comment: This variant is present in population databases (rs764324380, gnomAD 0.003%). In summary, the available evidence is currently insufficient to determine the role of this variant in disease. Therefore, it has been classified as a Variant of Uncertain Significance. Experimental studies and prediction algorithms are not available or were not evaluated, and the functional significance of this variant is currently unknown. This variant has not been reported in the literature in individuals affected with GPR179-related conditions. This sequence change creates a premature translational stop signal (p.Arg895*) in the GPR179 gene. While this is not anticipated to result in nonsense mediated decay, it is expected to disrupt the last 1473 amino acid(s) of the GPR179 protein.

NM_001004334.4(GPR179):c.2683C>T (p.Arg895Ter)

Gene: GPR179 (G protein-coupled receptor 179; minus strand). Cytogenetic location: 17q12.
Variant type: single nucleotide variant.
Coding change: c.2683C>T on transcript NM_001004334.4 (MANE Select); coding-DNA position 2683, C replaced by T.
Protein change: p.Arg895Ter; replaces arginine 895 with a stop codon.
Molecular consequence: nonsense.
Genome position (GRCh38, 1-based): chr17:38,330,886, G>A on the plus strand (C>T on the coding strand, the complement: GPR179 is on the minus strand). VCF-style: chr17-38330886-G-A. GRCh37 (hg19) VCF-style: chr17-36486769-G-A.
Other names: short protein forms R895*.
Identifiers: ClinVar variation 1922980 (VCV001922980.6), dbSNP rs764324380, ClinGen allele CA290105628.
Genomic context (GRCh38, chr17:38,330,886, plus strand): 5'-GAGAGCTGTCCACGCTGCTGCTCTTGGCAGGGGAAGGTGGAGCTGACAGGGGGGCCCCTC[G>A]AGGCCGCTCCAGCCTCCTGGCTGATGGCCTCCGCACCAGGCTGGCCATGGCTGCCTTGGC-3'